The following is an entry in ClinVar:

NM_000142.5(FGFR3):c.1637C>T (p.Thr546Met)

Gene: FGFR3 (fibroblast growth factor receptor 3; plus strand). Cytogenetic location: 4p16.3.
Variant type: single nucleotide variant.
Coding change: c.1637C>T on transcript NM_000142.5 (MANE Select); coding-DNA position 1637, C replaced by T.
Protein change: p.Thr546Met; replaces threonine 546 with methionine.
Molecular consequence: missense variant. On other transcripts: non-coding transcript variant (1).
Genome position (GRCh38, 1-based): chr4:1,805,661, C>T. VCF-style: chr4-1805661-C-T. GRCh37 (hg19) VCF-style: chr4-1807388-C-T.
Other names: c.1643C>T, p.Thr548Met (NM_001163213.2); c.1640C>T, p.Thr547Met (NM_001354809.2, NM_001354810.2); c.1301C>T, p.Thr434Met (NM_022965.4); short protein forms T434M, T546M, T547M, T548M.
Identifiers: ClinVar variation 3901790 (VCV003901790.1).

ClinVar aggregate classification (germline): Uncertain significance (1 of 4 stars; one submission).

gnomAD v4.1: 4 of 1,612,654 alleles (0.00025%); highest among the groups gnomAD compares: Non-Finnish European, 0.00034%; no homozygotes.

Submission:

GeneDx
Classification: Uncertain significance. Last evaluated: 2024-12-03. Review status: criteria provided, single submitter. Criteria: GeneDx Variant Classification Process June 2021. Collection method: clinical testing. Allele origin: germline. Affected: yes.
Comment: Has not been previously published as pathogenic or benign to our knowledge; Not observed at significant frequency in large population cohorts (gnomAD); In silico analysis supports that this missense variant has a deleterious effect on protein structure/function